The following is an entry in ClinVar:

ClinVar aggregate classification (germline): Benign (1 of 4 stars; one submission).

Conditions:
Stuve-Wiedemann syndrome (STWS). Also called: Stüve-Wiedemann syndrome. Identifiers: Orphanet 3206, MedGen C0796176, MONDO:0031280.

Allele frequency attached by ClinVar (database versions not stated): gnomAD exomes 0.00092; gnomAD 0.00461 and 0.00501; 1000 Genomes Project 0.00539; TOPMed 0.00547; 1000 Genomes Project 30x 0.00625.
gnomAD v4.1: 742 of 197,232 alleles (0.38%); highest among the groups gnomAD compares: African/African-American, 1.6%; 7 homozygotes.

Submissions (2):

Illumina Laboratory Services, Illumina
Classification: Benign for Stüve-Wiedemann syndrome 1. Last evaluated: 2018-01-13. Review status: criteria provided, single submitter. Criteria: ICSL Variant Classification Criteria 13 December 2019. Collection method: clinical testing. Allele origin: germline.
Comment: This variant was observed in the ICSL laboratory as part of a predisposition screen in an ostensibly healthy population. It had not been previously curated by ICSL or reported in the Human Gene Mutation Database (HGMD: prior to June 1st, 2018), and was therefore a candidate for classification through an automated scoring system. Utilizing variant allele frequency, disease prevalence and penetrance estimates, and inheritance mode, an automated score was calculated to assess if this variant is too frequent to cause the disease. Based on the score and internal cut-off values, a variant classified as benign is not then subjected to further curation. The score for this variant resulted in a classification of benign for this disease.

Dr. Peter K. Rogan Lab, Western University
No classification provided (evidence only). Condition: Uterine corpus endometrial carcinoma. Review status: no classification provided. Collection method: in vitro. Allele origin: not applicable. Functional consequence: retained intron. Not counted in ClinVar's aggregate classification.

NM_001127671.2(LIFR):c.*6140C>G

Gene: LIFR (LIF receptor subunit alpha; minus strand). Cytogenetic location: 5p13.1.
Variant type: single nucleotide variant.
Coding change: c.*6140C>G on transcript NM_001127671.2 (MANE Select); 6140 bases downstream of the stop codon, C replaced by G.
Molecular consequence: 3 prime UTR variant.
Genome position (GRCh38, 1-based): chr5:38,475,455, G>C on the plus strand (C>G on the coding strand, the complement: LIFR is on the minus strand). VCF-style: chr5-38475455-G-C. GRCh37 (hg19) VCF-style: chr5-38475557-G-C.
Other names: NC_000005.9:g.38475557G>C; c.*6140C>G (NM_001364297.2, NM_001364298.2, NM_002310.6).
Identifiers: ClinVar variation 353524 (VCV000353524.6), dbSNP rs73077446, ClinGen allele CA10624744.